The following is an entry in ClinVar:

NM_001042492.3(NF1):c.147C>G (p.Tyr49Ter)

Gene: NF1 (neurofibromin 1; plus strand). Cytogenetic location: 17q11.2.
Variant type: single nucleotide variant.
Coding change: c.147C>G on transcript NM_001042492.3 (MANE Select); coding-DNA position 147, C replaced by G.
Protein change: p.Tyr49Ter; replaces tyrosine 49 with a stop codon.
Molecular consequence: nonsense.
Genome position (GRCh38, 1-based): chr17:31,156,069, C>G. VCF-style: chr17-31156069-C-G. GRCh37 (hg19) VCF-style: chr17-29483087-C-G.
Other names: c.147C>G, p.Tyr49Ter (NM_000267.4, NM_001128147.3); short protein forms Y49*.
Identifiers: ClinVar variation 943309 (VCV000943309.9), dbSNP rs1597626026, ClinGen allele CA398988471.
Genomic context (GRCh38, chr17:31,156,069, plus strand): 5'-CACACATACCAAAGTCAGTACTGAGCACAACAAGGAATGTCTAATCAATATTTCCAAATA[C>G]AAGTTTTCTTTGGTTATAAGCGGCCTCACTACTATTTTAAAGAATGTTAACAATATGGTG-3'

ClinVar aggregate classification (germline): Pathogenic. Review status: criteria provided, multiple submitters, no conflicts (2 of 4 stars). 4 submissions from 4 submitters: Pathogenic (4). Last evaluated 2026-04-01.

Conditions:
NF1-related disorder. Also called: NF1-related condition. Identifiers: MedGen CN379171.
Hereditary cancer-predisposing syndrome. Also called: Tumor predisposition; Hereditary neoplastic syndrome; Neoplastic Syndromes, Hereditary; Hereditary Cancer Syndrome. Identifiers: Orphanet 140162, MedGen C0027672, MeSH D009386, MONDO:0015356.
Cardiovascular phenotype. Identifiers: MedGen CN230736.
Neurofibromatosis, type 1 (NF1). Also called: Peripheral type neurofibromatosis; Neurofibromatosis, type I; VON RECKLINGHAUSEN DISEASE; NEUROFIBROMATOSIS, TYPE I, SOMATIC. Identifiers: Orphanet 636, MedGen C0027831, MONDO:0018975, OMIM 162200. Disease mechanism: loss of function.

Submissions (4):

Department of Genetics, Sultan Qaboos University Hospital
Classification: Pathogenic for Neurofibromatosis, type 1. Last evaluated: 2026-04-01. Review status: criteria provided, single submitter. Criteria: ACMG Guidelines, 2015. Collection method: clinical testing. Allele origin: germline. Affected: yes. Observed: 1 variant allele.
Comment: PVS1,PM2,PP5_Very_Strong

Ambry Genetics
Classification: Pathogenic for Cardiovascular phenotype; Hereditary cancer-predisposing syndrome. Last evaluated: 2025-05-02. Review status: criteria provided, single submitter. Criteria: Ambry Variant Classification Scheme 2023. Collection method: clinical testing. Allele origin: germline.
Comment: The p.Y49* pathogenic mutation (also known as c.147C>G), located in coding exon 2 of the NF1 gene, results from a C to G substitution at nucleotide position 147. This changes the amino acid from a tyrosine to a stop codon within coding exon 2. This variant was reported in individual(s) with features consistent with neurofibromatosis type I (Fahsold R et al. Am J Hum Genet. 2000 Mar;66:790-818). This variant is considered to be rare based on population cohorts in the Genome Aggregation Database (gnomAD). In addition to the clinical data presented in the literature, this alteration is expected to result in loss of function by premature protein truncation or nonsense-mediated mRNA decay. As such, this alteration is interpreted as a disease-causing mutation.

Greenwood Genetic Center Diagnostic Laboratories, Greenwood Genetic Center
Classification: Pathogenic for NF1-related disorder. Last evaluated: 2024-09-10. Review status: criteria provided, single submitter. Criteria: ACMG Guidelines, 2015. Collection method: clinical testing. Allele origin: germline. Affected: yes.
Comment: PVS1, PS4_Moderate, PM2, PM6

Labcorp Genetics (formerly Invitae), Labcorp
Classification: Pathogenic for Neurofibromatosis, type 1. Last evaluated: 2021-06-17. Review status: criteria provided, single submitter. Criteria: Invitae Variant Classification Sherloc (09022015). Collection method: clinical testing. Allele origin: germline.
Comment: This sequence change creates a premature translational stop signal (p.Tyr49*) in the NF1 gene. It is expected to result in an absent or disrupted protein product. This variant is not present in population databases (ExAC no frequency). This variant has been observed in several individuals affected with neurofibromatosis type 1 (PMID: 10712197, 21354044). Algorithms developed to predict the effect of sequence changes on RNA splicing suggest that this variant may create or strengthen a splice site, but this prediction has not been confirmed by published transcriptional studies. Loss-of-function variants in NF1 are known to be pathogenic (PMID: 10712197, 23913538). For these reasons, this variant has been classified as Pathogenic.

Literature cited by the submitters: PubMed 10712197 (cited by Ambry Genetics and Labcorp Genetics (formerly Invitae), Labcorp); PubMed 21354044 (cited by Labcorp Genetics (formerly Invitae), Labcorp); PubMed 23913538 (cited by Labcorp Genetics (formerly Invitae), Labcorp).